The following is an entry in ClinVar:

ClinVar aggregate classification (germline): Conflicting classifications of pathogenicity. Review status: criteria provided, conflicting classifications (1 of 4 stars). 2 submissions from 2 submitters: Uncertain significance (1); Likely benign (1). Last evaluated 2025-07-14.

Conditions:
Hereditary cancer-predisposing syndrome. Also called: Tumor predisposition; Hereditary Cancer Syndrome; Hereditary neoplastic syndrome; Neoplastic Syndromes, Hereditary. Identifiers: Orphanet 140162, MedGen C0027672, MeSH D009386, MONDO:0015356.
POLD1-related polyposis and colorectal cancer syndrome (CRCS10). Also called: Colorectal cancer 10; COLORECTAL CANCER, SUSCEPTIBILITY TO, ON CHROMOSOME 19q; Colorectal cancer, susceptibility to, 10. Identifiers: Orphanet 220460, MedGen C2675481, MONDO:0012953, OMIM 612591.

Allele frequency attached by ClinVar (database versions not stated): gnomAD exomes below 0.00001; TOPMed below 0.00001.
gnomAD v4.1: 1 of 1,600,644 alleles (0.000062%); highest among the groups gnomAD compares: Non-Finnish European, 0.000085%; no homozygotes.

Submissions (2):

Labcorp Genetics (formerly Invitae), Labcorp
Classification: Uncertain significance for POLD1-related polyposis and colorectal cancer syndrome. Last evaluated: 2025-07-14. Review status: criteria provided, single submitter. Criteria: Invitae Variant Classification Sherloc (09022015). Collection method: clinical testing. Allele origin: germline.
Comment: This sequence change replaces isoleucine, which is neutral and non-polar, with methionine, which is neutral and non-polar, at codon 307 of the POLD1 protein (p.Ile307Met). This variant is not present in population databases (gnomAD no frequency). This variant has not been reported in the literature in individuals affected with POLD1-related conditions. ClinVar contains an entry for this variant (Variation ID: 1002952). Invitae Evidence Modeling of protein sequence and biophysical properties (such as structural, functional, and spatial information, amino acid conservation, physicochemical variation, residue mobility, and thermodynamic stability) indicates that this missense variant is not expected to disrupt POLD1 protein function with a negative predictive value of 80%. In summary, the available evidence is currently insufficient to determine the role of this variant in disease. Therefore, it has been classified as a Variant of Uncertain Significance.

Ambry Genetics
Classification: Likely benign for Hereditary cancer-predisposing syndrome. Last evaluated: 2024-11-08. Review status: criteria provided, single submitter. Criteria: Ambry Variant Classification Scheme 2023. Collection method: clinical testing. Allele origin: germline.

NM_002691.4(POLD1):c.921T>G (p.Ile307Met)

Gene: POLD1 (DNA polymerase delta 1, catalytic subunit; plus strand). Cytogenetic location: 19q13.33.
Variant type: single nucleotide variant.
Coding change: c.921T>G on transcript NM_002691.4 (MANE Select); coding-DNA position 921, T replaced by G.
Protein change: p.Ile307Met; replaces isoleucine 307 with methionine.
Molecular consequence: missense variant. On other transcripts: non-coding transcript variant (1).
Genome position (GRCh38, 1-based): chr19:50,402,692, T>G. VCF-style: chr19-50402692-T-G. GRCh37 (hg19) VCF-style: chr19-50905949-T-G.
Other names: c.921T>G (NM_002691.2); c.921T>G, p.Ile307Met (NM_001256849.1, NM_001308632.1); short protein forms I307M.
Identifiers: ClinVar variation 1002952 (VCV001002952.7), dbSNP rs2038702963, ClinGen allele CA406977162.
Genomic context (GRCh38, chr19:50,402,692, plus strand): 5'-GGCGGACGTGCTGTGGTCTGACGTGGTCAGTCACCCACCGGAAGGGCCATGGCAGCGCAT[T>G]GCGCCCTTGCGCGTGCTCAGCTTCGATATCGAGTGCGCCGGCCGCAAAGGTCTGTCCCCG-3'
Protein context (NP_002682.2, residues 297-317): SHPPEGPWQR[Ile307Met]APLRVLSFDI